The following is an entry in ClinVar:

ClinVar aggregate classification (germline): Pathogenic (1 of 4 stars; one submission).

Conditions:
Developmental and epileptic encephalopathy, 25 (DEE25). Also called: Developmental and epileptic encephalopathy 25, with amelogenesis imperfecta; Epileptic encephalopathy, early infantile, 25, with amelogenesis imperfecta; Epileptic encephalopathy, early infantile, 25. Identifiers: Orphanet 442835, MedGen C4014621, MONDO:0014392, OMIM 615905.

Submission:

Labcorp Genetics (formerly Invitae), Labcorp
Classification: Pathogenic for Developmental and epileptic encephalopathy, 25. Last evaluated: 2022-09-16. Review status: criteria provided, single submitter. Criteria: Invitae Variant Classification Sherloc (09022015). Collection method: clinical testing. Allele origin: germline.
Comment: This variant has not been reported in the literature in individuals affected with SLC13A5-related conditions. This variant is a gross deletion of the genomic region encompassing exon(s) 4 of the SLC13A5 gene. This deletion is out-of-frame, and is expected to create a premature termination codon and result in an absent or disrupted protein product. Loss-of-function variants in SLC13A5 are known to be pathogenic (PMID: 24995870, 26384929). For these reasons, this variant has been classified as Pathogenic.

Literature cited by the submitters: PubMed 24995870; PubMed 26384929.

NC_000017.10:g.(?_6607177)_(6607395_?)del

Gene: SLC13A5 (solute carrier family 13 member 5; minus strand). Cytogenetic location: 17p13.1.
Variant type: Deletion.
Identifiers: ClinVar variation 2427555 (VCV002427555.6).